The following is an entry in ClinVar:

NM_004409.5(DMPK):c.*224CTG[194]

Genes: DM1-AS (DM1 locus antisense RNA; plus strand), DMPK (DM1 protein kinase; minus strand), LOC107075317 (origin of replication in DMPK trinucleotide repeat region; plus strand), LOC109461477 (dystrophia myotonica protein kinase repeat instability region; plus strand). Cytogenetic location: 19q13.32.
Variant type: Microsatellite.
Coding change: c.*224CTG[194] on transcript NM_004409.5 (MANE Select); 194 copies in a row of the 3-base unit CTG starting at c.*224.
Molecular consequence: 3 prime UTR variant.
Genome position: GRCh38, VCF-style position (the base before the change): chr19:45,770,204. GRCh37 (hg19), VCF-style position (the base before the change): chr19:46,273,462.
Other names: DM1 CTG repeat expansion; c.*224CTG[194] (NM_001081560.3, NM_001288764.2, NM_001424165.1 and 1 more transcripts); c.*217CTG[194] (NM_001081562.3, NM_001288765.2, NM_001424162.1 and 2 more transcripts); c.*222_*224TGC[194] (NM_001081563.3); c.*369CTG[194] (NM_001288766.2, NM_001424164.1, NM_001424168.1).
Identifiers: ClinVar variation 187934 (VCV000187934.1), ClinGen allele CA915951730.

ClinVar aggregate classification (germline): Pathogenic (0 of 4 stars; one submission).

Conditions:
Steinert myotonic dystrophy syndrome (DM1). Also called: STEINERT DISEASE; Myotonic dystrophy type 1; Dystrophia myotonica type 1; Steinert myotonic dystrophy; Steinert's disease. Identifiers: Orphanet 273, MedGen C3250443, MONDO:0008056, OMIM 160900.

Submission:

Institute of Molecular, Cell and Systems Biology, University of Glasgow
Classification: Pathogenic for Steinert myotonic dystrophy syndrome. Review status: no assertion criteria provided. Criteria: research. Collection method: research. Allele origin: germline. Inheritance: Autosomal dominant inheritance. Affected: yes. Observed: 1 heterozygote.
Comment: DMPK CTG repeat expansions greater than approximately 45-50 repeats are assumed to be pathogenic

This record is based on data published in PubMed 25052313, which reports only ClinVar accessions SCV000120188 and SCV000120189. The complete data set includes SCV000207445 - SCV000207579.

Literature cited by the submitters: PubMed 1346923; PubMed 1546326; PubMed 25052313.